The following is an entry in ClinVar:

NM_001453.3(FOXC1):c.399C>G (p.Asn133Lys)

Gene: FOXC1 (forkhead box C1; plus strand). Cytogenetic location: 6p25.3.
Variant type: single nucleotide variant.
Coding change: c.399C>G on transcript NM_001453.3 (MANE Select); coding-DNA position 399, C replaced by G.
Protein change: p.Asn133Lys; replaces asparagine 133 with lysine.
Molecular consequence: missense variant.
Genome position (GRCh38, 1-based): chr6:1,610,844, C>G. VCF-style: chr6-1610844-C-G. GRCh37 (hg19) VCF-style: chr6-1611079-C-G.
Other names: short protein forms N133K.
Identifiers: ClinVar variation 1506339 (VCV001506339.8), dbSNP rs562467758, ClinGen allele CA362558732.
Genomic context (GRCh38, chr6:1,610,844, plus strand): 5'-CTTCTACCGGGACAACAAGCAGGGCTGGCAGAACAGCATCCGCCACAACCTCTCGCTCAA[C>G]GAGTGCTTCGTCAAGGTGCCGCGCGACGACAAGAAGCCGGGCAAGGGCAGCTACTGGACG-3'
Protein context (NP_001444.2, residues 123-143): QNSIRHNLSL[Asn133Lys]ECFVKVPRDD

ClinVar aggregate classification (germline): Pathogenic (1 of 4 stars; one submission).

Conditions:
Axenfeld-Rieger syndrome type 3 (RIEG3). Also called: AXENFELD-RIEGER ANOMALY WITH CARDIAC DEFECTS AND/OR SENSORINEURAL HEARING LOSS. Identifiers: Orphanet 782, MedGen C2678503, MONDO:0011233, OMIM 602482.

Submission:

Labcorp Genetics (formerly Invitae), Labcorp
Classification: Pathogenic for Axenfeld-Rieger syndrome type 3. Last evaluated: 2023-08-24. Review status: criteria provided, single submitter. Criteria: Invitae Variant Classification Sherloc (09022015). Collection method: clinical testing. Allele origin: germline.
Comment: This missense change has been observed in individual(s) with Axenfeld–Rieger syndrome and/or clinical features of Axenfeld-Rieger syndrome (PMID: 34745210; Invitae). In at least one individual the variant was observed to be de novo. ClinVar contains an entry for this variant (Variation ID: 1506339). An algorithm developed to predict the effect of missense changes on protein structure and function (PolyPhen-2) suggests that this variant is likely to be disruptive. This sequence change replaces asparagine, which is neutral and polar, with lysine, which is basic and polar, at codon 133 of the FOXC1 protein (p.Asn133Lys). For these reasons, this variant has been classified as Pathogenic. This variant is not present in population databases (gnomAD no frequency).

Literature cited by the submitters: PubMed 34745210.